The following is an entry in ClinVar:

ClinVar aggregate classification (germline): Likely benign. Review status: criteria provided, multiple submitters, no conflicts (2 of 4 stars). 4 submissions from 4 submitters: Likely benign (4). Last evaluated 2025-06-02.

Conditions:
Charcot-Marie-Tooth disease dominant intermediate C (CMTDIC). Also called: CHARCOT-MARIE-TOOTH NEUROPATHY, DOMINANT INTERMEDIATE C. Identifiers: Orphanet 100045, MedGen C1842237, MONDO:0012012, OMIM 608323.
Inborn genetic diseases. Identifiers: MedGen C0950123, MeSH D030342.

Allele frequency attached by ClinVar (database versions not stated): gnomAD exomes below 0.00001 and 0.00001; TOPMed below 0.00001; ExAC 0.00001; gnomAD 0.00001.
gnomAD v4.1: 18 of 1,614,052 alleles (0.0011%); highest among the groups gnomAD compares: Non-Finnish European, 0.0014%; no homozygotes.

Submissions (4):

Labcorp Genetics (formerly Invitae), Labcorp
Classification: Likely benign for Charcot-Marie-Tooth disease dominant intermediate C. Last evaluated: 2025-06-02. Review status: criteria provided, single submitter. Criteria: Invitae Variant Classification Sherloc (09022015). Collection method: clinical testing. Allele origin: germline.

CeGaT Center for Human Genetics Tuebingen
Classification: Likely benign. Last evaluated: 2024-01-01. Review status: criteria provided, single submitter. Criteria: CeGaT Center For Human Genetics Tuebingen Variant Classification Criteria Version 2. Collection method: clinical testing. Allele origin: germline. Affected: yes. Observed: 2 variant alleles.
Comment: YARS1: BP4, BP7

Ambry Genetics
Classification: Likely benign for Inborn genetic diseases. Last evaluated: 2019-07-11. Review status: criteria provided, single submitter. Criteria: Ambry Variant Classification Scheme 2023. Collection method: clinical testing. Allele origin: germline.

GeneDx
Classification: Likely benign. Last evaluated: 2016-02-24. Review status: criteria provided, single submitter. Criteria: GeneDx Variant Classification (06012015). Collection method: clinical testing. Allele origin: germline. Affected: yes.
Comment: This variant is considered likely benign or benign based on one or more of the following criteria: it is a conservative change, it occurs at a poorly conserved position in the protein, it is predicted to be benign by multiple in silico algorithms, and/or has population frequency not consistent with disease.

NM_003680.4(YARS1):c.1128C>T (p.Ile376=)

Gene: YARS1 (tyrosyl-tRNA synthetase 1; minus strand). Cytogenetic location: 1p35.1.
Variant type: single nucleotide variant.
Coding change: c.1128C>T on transcript NM_003680.4 (MANE Select); coding-DNA position 1128, C replaced by T.
Protein change: p.Ile376=; no amino-acid change (isoleucine 376 retained).
Molecular consequence: synonymous variant.
Genome position (GRCh38, 1-based): chr1:32,781,060, G>A on the plus strand (C>T on the coding strand, the complement: YARS1 is on the minus strand). VCF-style: chr1-32781060-G-A. GRCh37 (hg19) VCF-style: chr1-33246661-G-A.
Identifiers: ClinVar variation 383817 (VCV000383817.52), dbSNP rs777332870, ClinGen allele CA744984.
Genomic context (GRCh38, chr1:32,781,060, plus strand): 5'-AAACCTGACCCCAATCTGCCTCTCTGAGATGTGGTGAAAAATGAGTACCTTCTCCACAGT[G>A]ATGATTTTCCCCACACGGATATCCAGCCGGGATGGGATGACCTCCTCTGGTTCTGAATTC-3'
Protein context (NP_003671.1, residues 366-386): SRLDIRVGKI[Ile376=]TVEKHPDADS